The following is an entry in ClinVar:

NM_001023.4(RPS20):c.282T>G (p.Pro94=)

Gene: RPS20 (ribosomal protein S20; minus strand). Cytogenetic location: 8q12.1.
Variant type: single nucleotide variant.
Coding change: c.282T>G on transcript NM_001023.4 (MANE Select); coding-DNA position 282, T replaced by G.
Protein change: p.Pro94=; no amino-acid change (proline 94 retained).
Molecular consequence: synonymous variant.
Genome position (GRCh38, 1-based): chr8:56,073,168, A>C on the plus strand (T>G on the coding strand, the complement: RPS20 is on the minus strand). VCF-style: chr8-56073168-A-C. GRCh37 (hg19) VCF-style: chr8-56985727-A-C.
Other names: c.282T>G, p.Pro94= (NM_001146227.3).
Identifiers: ClinVar variation 1610237 (VCV001610237.11), dbSNP rs1809814052, ClinGen allele CA460824002.
Genomic context (GRCh38, chr8:56,073,168, plus strand): 5'-GACTTCCACCTCAACTCCTGGCTCAATACTGATGGAAGTAATCTGCTTAACAATCTCAGA[A>C]GGACTGTGCAAGTCAATGAGTCGCTTGTGAATTCTCATCTGGAAACGATCCCACGTCTTA-3'
Protein context (NP_001014.1, residues 84-104): IHKRLIDLHS[Pro94=]SEIVKQITSI

ClinVar aggregate classification (germline): Benign/Likely benign. Review status: criteria provided, multiple submitters, no conflicts (2 of 4 stars). 3 submissions from 3 submitters: Benign (1); Likely benign (2). Last evaluated 2026-08-04.

Conditions:
Familial colorectal cancer type X. Identifiers: Orphanet 440437, MedGen C3896578, MONDO:0018604.

Allele frequency attached by ClinVar (database versions not stated): gnomAD exomes 0.00001; gnomAD 0.00001; TOPMed below 0.00001.
gnomAD v4.1: 10 of 1,599,486 alleles (0.00063%); highest among the groups gnomAD compares: Non-Finnish European, 0.00085%; no homozygotes.

Submissions (3):

Myriad Genetics, Inc.
Classification: Benign for Familial colorectal cancer type X. Last evaluated: 2026-08-04. Review status: criteria provided, single submitter. Criteria: Myriad Autosomal Dominant, Autosomal Recessive and X-Linked Classification Criteria (2023). Collection method: clinical testing. Allele origin: unknown.
Comment: This variant is considered benign. This variant is a silent/synonymous amino acid change and it is not expected to impact splicing.

Labcorp Genetics (formerly Invitae), Labcorp
Classification: Likely benign. Last evaluated: 2023-12-01. Review status: criteria provided, single submitter. Criteria: Invitae Variant Classification Sherloc (09022015). Collection method: clinical testing. Allele origin: germline.

Ambry Genetics
Classification: Likely benign. Last evaluated: 2022-05-12. Review status: criteria provided, single submitter. Criteria: Ambry Variant Classification Scheme 2023. Collection method: clinical testing. Allele origin: germline.